The following is an entry in ClinVar:

NM_000093.5(COL5A1):c.3991G>A (p.Asp1331Asn)

Gene: COL5A1 (collagen type V alpha 1 chain; plus strand). Cytogenetic location: 9q34.3.
Variant type: single nucleotide variant.
Coding change: c.3991G>A on transcript NM_000093.5 (MANE Select); coding-DNA position 3991, G replaced by A.
Protein change: p.Asp1331Asn; replaces aspartic acid 1331 with asparagine.
Molecular consequence: missense variant.
Genome position (GRCh38, 1-based): chr9:134,814,881, G>A. VCF-style: chr9-134814881-G-A. GRCh37 (hg19) VCF-style: chr9-137706727-G-A.
Other names: p.Asp1331Asn; c.3991G>A (NM_000093.3); c.3991G>A, p.Asp1331Asn (NM_001278074.1); short protein forms D1331N.
Identifiers: ClinVar variation 547285 (VCV000547285.27), dbSNP rs545973022, ClinGen allele CA5320084.

ClinVar aggregate classification (germline): Conflicting classifications of pathogenicity. Review status: criteria provided, conflicting classifications (1 of 4 stars). 7 submissions from 7 submitters: Uncertain significance (4); Benign (1); Likely benign (1). 1 of the submissions does not count toward it. Last evaluated 2026-04-20.

Conditions:
Ehlers-Danlos syndrome, classic type, 1 (EDSCL1). Also called: Ehlers-Danlos Syndrome, Classic Type, COL5A1-Related; EDS I; Ehlers-Danlos syndrome, type 1; EHLERS-DANLOS SYNDROME, GRAVIS TYPE; EHLERS-DANLOS SYNDROME, SEVERE CLASSIC TYPE. Identifiers: MedGen C0268335, MONDO:0019567, OMIM 130000.
Ehlers-Danlos syndrome, classic type (cEDS). Identifiers: Orphanet 287, MedGen C4225429, MONDO:0007522.
Familial thoracic aortic aneurysm and aortic dissection (TAAD). Also called: Thoracic aortic aneurysms and dissections. Identifiers: Orphanet 91387, MedGen C4707243, MONDO:0019625.

Allele frequency attached by ClinVar (database versions not stated): TOPMed 0.00084; 1000 Genomes Project 0.00020; gnomAD exomes 0.00004; 1000 Genomes Project 30x 0.00016; gnomAD 0.00030 and 0.00033; ExAC 0.00010.

Submissions (7):

Ambry Genetics
Classification: Uncertain significance for Familial thoracic aortic aneurysm and aortic dissection. Last evaluated: 2026-04-20. Review status: criteria provided, single submitter. Criteria: Ambry Variant Classification Scheme 2023. Collection method: clinical testing. Allele origin: germline.
Comment: The c.3991G>A (p.D1331N) alteration is located in exon 50 (coding exon 50) of the COL5A1 gene. This alteration results from a G to A substitution at nucleotide position 3991, causing the aspartic acid (D) at amino acid position 1331 to be replaced by an asparagine (N). Based on data from gnomAD, the A allele has an overall frequency of 0.005% (9/187412) total alleles studied. The highest observed frequency was 0.091% (5/5496) of Other alleles. Based on insufficient or conflicting evidence, the clinical significance of this alteration remains unclear.

Women's Health and Genetics/Laboratory Corporation of America, LabCorp
Classification: Likely benign. Last evaluated: 2026-02-06. Review status: criteria provided, single submitter. Criteria: LabCorp Variant Classification Summary - May 2015. Collection method: clinical testing. Allele origin: germline.
Comment: Variant summary: COL5A1 c.3991G>A (p.Asp1331Asn) results in a conservative amino acid change in the encoded protein sequence. Algorithms developed to predict the effect of missense changes on protein structure and function are either unavailable or do not agree on the potential impact of this missense change. The variant allele was found at a frequency of 5.2e-05 in 1551102 control chromosomes, predominantly at a frequency of 0.0012 within the Latino subpopulation in the gnomAD database, including 1 homozygotes. The observed variant frequency within Latino control individuals in the gnomAD database exceeds the estimated maximal expected allele frequency for disease-causing variants in COL5A1. To our knowledge, no occurrence of c.3991G>A in individuals affected with COL5A1-related conditions and no experimental evidence demonstrating its impact on protein function have been reported. ClinVar contains an entry for this variant (Variation ID: 547285). Based on the evidence outlined above, the variant was classified as likely benign.

Labcorp Genetics (formerly Invitae), Labcorp
Classification: Benign for Ehlers-Danlos syndrome, classic type, 1. Last evaluated: 2026-01-19. Review status: criteria provided, single submitter. Criteria: Invitae Variant Classification Sherloc (09022015). Collection method: clinical testing. Allele origin: germline.

GeneDx
Classification: Uncertain significance. Last evaluated: 2025-11-18. Review status: criteria provided, single submitter. Criteria: GeneDx Variant Classification Process June 2021. Collection method: clinical testing. Allele origin: germline. Affected: yes.
Comment: Has not been previously published as pathogenic or benign to our knowledge; Occurs in the triple helical domain at the X position in the canonical Gly-X-Y repeat; although this variant may have an effect on normal protein folding and function, missense substitution at the X position is not a common mechanism of disease (PMID: 22696272, HGMD); In silico analysis supports that this missense variant has a deleterious effect on protein structure/function; This variant is associated with the following publications: (PMID: 22696272)

Mayo Clinic Laboratories, Mayo Clinic
Classification: Uncertain significance. Last evaluated: 2024-10-11. Review status: criteria provided, single submitter. Criteria: ACMG Guidelines, 2015. Collection method: clinical testing. Allele origin: germline. Observed: 2 variant alleles.
Comment: BS1

Mendelics
Classification: Uncertain significance. Last evaluated: 2022-05-04. Review status: criteria provided, single submitter. Criteria: Mendelics Assertion Criteria 2019. Collection method: clinical testing. Allele origin: germline.

Center for Human Genetics, Inc
Classification: Likely pathogenic for Ehlers-Danlos syndrome, classic type, 1. Last evaluated: 2016-11-01. Review status: flagged submission. Criteria: ACMG Guidelines, 2015. Collection method: clinical testing. Allele origin: germline. Affected: yes. Not counted in ClinVar's aggregate classification.
ClinVar note: Reason: Outlier claim with insufficient supporting evidence